The following is an entry in ClinVar:

ClinVar aggregate classification (germline): Pathogenic/Likely pathogenic. Review status: criteria provided, multiple submitters, no conflicts (2 of 4 stars). 3 submissions from 3 submitters: Pathogenic (1); Likely pathogenic (2). Last evaluated 2024-06-18.

Conditions:
Marfan syndrome (MFS). Also called: FBN1-Related Marfan Syndrome; MARFAN SYNDROME, TYPE I; Marfan syndrome type 1; Marfan's syndrome; Marfan syndrome, classic. Identifiers: Orphanet 284963, Orphanet 558, MedGen C0024796, MONDO:0007947, OMIM 154700.
Familial thoracic aortic aneurysm and aortic dissection (TAAD). Also called: Thoracic aortic aneurysms and dissections. Identifiers: Orphanet 91387, MedGen C4707243, MONDO:0019625.
FBN1-related disorder. Also called: FBN1-related disorders.

Allele frequency attached by ClinVar (database versions not stated): gnomAD exomes below 0.00001.
gnomAD v4.1: 1 of 1,614,018 alleles (0.000062%); highest among the groups gnomAD compares: East Asian, 0.0022%; no homozygotes.

Submissions (3):

Blueprint Genetics
Classification: Likely pathogenic for FBN1-related disorders. Last evaluated: 2024-06-18. Review status: criteria provided, single submitter. Criteria: ACMG Guidelines, 2015. Collection method: clinical testing. Allele origin: germline. Affected: yes. Observed: 1 variant allele.

Ambry Genetics
Classification: Likely pathogenic for Familial thoracic aortic aneurysm and aortic dissection. Last evaluated: 2024-06-13. Review status: criteria provided, single submitter. Criteria: Ambry Variant Classification Scheme 2023. Collection method: clinical testing. Allele origin: germline.
Comment: The p.C476Y variant (also known as c.1427G>A), located in coding exon 11 of the FBN1 gene, results from a G to A substitution at nucleotide position 1427. The cysteine at codon 476 is replaced by tyrosine, an amino acid with highly dissimilar properties. The majority of FBN1 mutations identified to date have involved the substitution or generation of cysteine residues within cbEGF domains (Vollbrandt T et al. J Biol Chem. 2004;279(31):32924-32931). Internal structural analysis indicates this alteration eliminates a disulfide bond critical for the structural integrity of the EGF4 domain (Ambry internal data). This alteration has been reported in individuals with Marfan syndrome (Yang H et al. Sci Rep, 2016 Sep;6:33002; Fuentevilla-&Aacute;lvarez G et al. Biomol Biomed, 2024 Mar;24:302-314). This variant is considered to be rare based on population cohorts in the Genome Aggregation Database (gnomAD). This amino acid position is highly conserved in available vertebrate species. In addition, this alteration is predicted to be deleterious by in silico analysis. Based on the majority of available evidence to date, this variant is likely to be pathogenic.

Labcorp Genetics (formerly Invitae), Labcorp
Classification: Pathogenic for Marfan syndrome; Familial thoracic aortic aneurysm and aortic dissection. Last evaluated: 2023-08-17. Review status: criteria provided, single submitter. Criteria: Invitae Variant Classification Sherloc (09022015). Collection method: clinical testing. Allele origin: germline.
Comment: This sequence change replaces cysteine, which is neutral and slightly polar, with tyrosine, which is neutral and polar, at codon 476 of the FBN1 protein (p.Cys476Tyr). This variant is not present in population databases (gnomAD no frequency). This missense change has been observed in individual(s) with Marfan syndrome (PMID: 27611364; Invitae). ClinVar contains an entry for this variant (Variation ID: 970337). Advanced modeling of protein sequence and biophysical properties (such as structural, functional, and spatial information, amino acid conservation, physicochemical variation, residue mobility, and thermodynamic stability) performed at Invitae indicates that this missense variant is expected to disrupt FBN1 protein function. Algorithms developed to predict the effect of sequence changes on RNA splicing suggest that this variant may create or strengthen a splice site. This variant affects a cysteine residue in the EGF-like, TGFBP or hybrid motif domains of FBN1. Cysteine residues are believed to be involved in intramolecular disulfide bridges and have been shown to be important for FBN1 protein structure (PMID: 16905551, 19349279). In addition, missense substitutions affecting cysteine residues within these domains are significantly overrepresented among patients with Marfan syndrome (PMID: 16571647, 17701892). This variant disrupts the p.Cys476 amino acid residue in FBN1. Other variant(s) that disrupt this residue have been observed in individuals with FBN1-related conditions (PMID: 7951214, 21932315; Invitae), which suggests that this may be a clinically significant amino acid residue. For these reasons, this variant has been classified as Pathogenic.

Literature cited by the submitters: PubMed 27611364 (cited by Ambry Genetics and Labcorp Genetics (formerly Invitae), Labcorp); PubMed 37688493 (cited by Ambry Genetics); PubMed 16905551 (cited by Labcorp Genetics (formerly Invitae), Labcorp); PubMed 19349279 (cited by Labcorp Genetics (formerly Invitae), Labcorp); PubMed 16571647 (cited by Labcorp Genetics (formerly Invitae), Labcorp); PubMed 17701892 (cited by Labcorp Genetics (formerly Invitae), Labcorp); PubMed 7951214 (cited by Labcorp Genetics (formerly Invitae), Labcorp); PubMed 21932315 (cited by Labcorp Genetics (formerly Invitae), Labcorp).

NM_000138.5(FBN1):c.1427G>A (p.Cys476Tyr)

Gene: FBN1 (fibrillin 1; minus strand). Cytogenetic location: 15q21.1.
Variant type: single nucleotide variant.
Coding change: c.1427G>A on transcript NM_000138.5 (MANE Select); coding-DNA position 1427, G replaced by A.
Protein change: p.Cys476Tyr; replaces cysteine 476 with tyrosine.
Molecular consequence: missense variant.
Genome position (GRCh38, 1-based): chr15:48,515,428, C>T on the plus strand (G>A on the coding strand, the complement: FBN1 is on the minus strand). VCF-style: chr15-48515428-C-T. GRCh37 (hg19) VCF-style: chr15-48807625-C-T.
Other names: short protein forms C476Y.
Identifiers: ClinVar variation 970337 (VCV000970337.11), dbSNP rs2043792070, ClinGen allele CA392343747.